The following is an entry in ClinVar:

NM_001375567.1(FOCAD):c.1284G>A (p.Ser428=)

Gene: FOCAD (focadhesin; plus strand). Cytogenetic location: 9p21.3.
Variant type: single nucleotide variant.
Coding change: c.1284G>A on transcript NM_001375567.1 (MANE Select); coding-DNA position 1284, G replaced by A.
Protein change: p.Ser428=; no amino-acid change (serine 428 retained).
Molecular consequence: synonymous variant.
Genome position (GRCh38, 1-based): chr9:20,789,437, G>A. VCF-style: chr9-20789437-G-A. GRCh37 (hg19) VCF-style: chr9-20789436-G-A.
Other names: c.1284G>A, p.Ser428= (NM_001375568.1, NM_017794.5); c.1179G>A, p.Ser393= (NM_001375570.1).
Identifiers: ClinVar variation 3712944 (VCV003712944.2).

ClinVar aggregate classification (germline): Uncertain significance (1 of 4 stars; one submission).

gnomAD v4.1: 25 of 1,613,820 alleles (0.0015%); highest among the groups gnomAD compares: African/African-American, 0.013%; no homozygotes.

Submission:

Labcorp Genetics (formerly Invitae), Labcorp
Classification: Uncertain significance. Last evaluated: 2024-09-12. Review status: criteria provided, single submitter. Criteria: Invitae Variant Classification Sherloc (09022015). Collection method: clinical testing. Allele origin: germline.
Comment: This sequence change affects codon 428 of the FOCAD mRNA. It is a 'silent' change, meaning that it does not change the encoded amino acid sequence of the FOCAD protein. This variant is present in population databases (rs367694040, gnomAD 0.01%). This variant has not been reported in the literature in individuals affected with FOCAD-related conditions. Experimental studies and prediction algorithms are not available or were not evaluated, and the effect of this variant on mRNA splicing is currently unknown. In summary, the available evidence is currently insufficient to determine the role of this variant in disease. Therefore, it has been classified as a Variant of Uncertain Significance.